The following is an entry in ClinVar:

NM_178012.5(TUBB2B):c.5G>A (p.Arg2His)

Gene: TUBB2B (tubulin beta 2B class IIb; minus strand). Cytogenetic location: 6p25.2.
Variant type: single nucleotide variant.
Coding change: c.5G>A on transcript NM_178012.5 (MANE Select); coding-DNA position 5, G replaced by A.
Protein change: p.Arg2His; replaces arginine 2 with histidine.
Molecular consequence: missense variant.
Genome position (GRCh38, 1-based): chr6:3,227,539, C>T on the plus strand (G>A on the coding strand, the complement: TUBB2B is on the minus strand). VCF-style: chr6-3227539-C-T. GRCh37 (hg19) VCF-style: chr6-3227773-C-T.
Other names: short protein forms R2H.
Identifiers: ClinVar variation 1336721 (VCV001336721.7), dbSNP rs2113820430, ClinGen allele CA362590450.

ClinVar aggregate classification (germline): Likely pathogenic. Review status: criteria provided, multiple submitters, no conflicts (2 of 4 stars). 3 submissions from 3 submitters: Likely pathogenic (3). Last evaluated 2025-11-19.

Conditions:
TUBB2B-related disorder. Also called: TUBB2B-related condition.
Complex cortical dysplasia with other brain malformations 7. Identifiers: Orphanet 300573, MedGen C3552236, MONDO:0012399, OMIM 610031.

Submissions (3):

Dasa
Classification: Likely pathogenic for Complex cortical dysplasia with other brain malformations 7. Last evaluated: 2025-11-19. Review status: criteria provided, single submitter. Criteria: DASA Assertion Criteria. Collection method: clinical testing. Allele origin: germline.
Comment: NM_178012.5(TUBB2B):c.5G>A (p.Arg2His) is a missense variant that results in the substitution of arginine with histidine. De novo occurrence has been reported in an individual with TUBB2B-related disorders. This variant is absent from population databases. Based on the currently available evidence, this variant is classified as likely pathogenic.

Blueprint Genetics
Classification: Likely pathogenic for TUBB2B-related disorders. Last evaluated: 2019-10-15. Review status: criteria provided, single submitter. Criteria: ACMG Guidelines, 2015. Collection method: clinical testing. Allele origin: germline. Affected: yes. Observed: 1 variant allele.

Genetic Services Laboratory, University of Chicago
Classification: Likely pathogenic. Last evaluated: 2018-09-20. Review status: criteria provided, single submitter. Criteria: ACMG Guidelines, 2015. Collection method: clinical testing. Allele origin: germline. Affected: yes.
Comment: DNA sequence analysis of the TUBB2B gene demonstrated a sequence change, c.5G>A, in exon 1 that results in an amino acid change, p.Arg2His. This sequence change does not appear to have been previously described in patients with TUBB2B-related disorders and has also not been described as a known benign sequence change in the TUBB2B gene. The p.Arg2His change affects a highly conserved amino acid residue located in a domain of the TUBB2B protein that is known to be functional. The p.Arg2His substitution appears to be deleterious using several in-silico pathogenicity prediction tools (SIFT, PolyPhen2, Align GVGD, REVEL).